The following is an entry in ClinVar:

NM_004525.3(LRP2):c.12628A>C (p.Ile4210Leu)

Gene: LRP2 (LDL receptor related protein 2; minus strand). Cytogenetic location: 2q31.1.
Variant type: single nucleotide variant.
Coding change: c.12628A>C on transcript NM_004525.3 (MANE Select); coding-DNA position 12628, A replaced by C.
Protein change: p.Ile4210Leu; replaces isoleucine 4210 with leucine.
Molecular consequence: missense variant.
Genome position (GRCh38, 1-based): chr2:169,146,922, T>G on the plus strand (A>C on the coding strand, the complement: LRP2 is on the minus strand). VCF-style: chr2-169146922-T-G. GRCh37 (hg19) VCF-style: chr2-170003432-T-G.
Other names: short protein forms I4210L.
Identifiers: ClinVar variation 129501 (VCV000129501.31), dbSNP rs4667591, ClinGen allele CA153550.

ClinVar aggregate classification (germline): Benign. Review status: criteria provided, multiple submitters, no conflicts (2 of 4 stars). 13 submissions from 13 submitters: Benign (10). 3 of the submissions do not count toward it. Last evaluated 2026-02-04.

Conditions:
Donnai-Barrow syndrome. Also called: FACIOOCULOACOUSTICORENAL SYNDROME; DBS/FOAR SYNDROME. Identifiers: Orphanet 2143, MedGen C1857277, MONDO:0009104, OMIM 222448.

Allele frequency attached by ClinVar (database versions not stated): 1000 Genomes Project 30x 0.55153; 1000 Genomes Project 0.55591; TOPMed 0.59607; ESP Exome Variant Server 0.60449; gnomAD 0.60691 and 0.61608; ExAC 0.71764; gnomAD exomes 0.72410 and 0.76591.
gnomAD v4.1: 1,211,200 of 1,613,220 alleles (75%); highest among the groups gnomAD compares: South Asian, 80%; 468,969 homozygotes.

Submissions (13):

Labcorp Genetics (formerly Invitae), Labcorp
Classification: Benign. Last evaluated: 2026-02-04. Review status: criteria provided, single submitter. Criteria: Invitae Variant Classification Sherloc (09022015). Collection method: clinical testing. Allele origin: germline.

Blueprint Genetics
Classification: Benign. Last evaluated: 2024-11-26. Review status: criteria provided, single submitter. Criteria: ACMG Guidelines, 2015. Collection method: clinical testing. Allele origin: germline.

Mayo Clinic Laboratories, Mayo Clinic
Classification: Benign. Last evaluated: 2023-03-01. Review status: criteria provided, single submitter. Criteria: ACMG Guidelines, 2015. Collection method: clinical testing. Allele origin: germline. Observed: 111 variant alleles.
Comment: BA1, BS2

Women's Health and Genetics/Laboratory Corporation of America, LabCorp
Classification: Benign. Last evaluated: 2021-12-03. Review status: criteria provided, single submitter. Criteria: LabCorp Variant Classification Summary - May 2015. Collection method: clinical testing. Allele origin: germline.

Genome-Nilou Lab
Classification: Benign for Donnai-Barrow syndrome. Last evaluated: 2021-08-19. Review status: criteria provided, single submitter. Criteria: ACMG Guidelines, 2015. Collection method: clinical testing. Allele origin: germline. Affected: no.

Mendelics
Classification: Benign for Donnai-Barrow syndrome. Last evaluated: 2019-05-28. Review status: criteria provided, single submitter. Criteria: Mendelics Assertion Criteria 2017. Collection method: clinical testing. Allele origin: unknown.

Illumina Laboratory Services, Illumina
Classification: Benign for Donnai-Barrow syndrome. Last evaluated: 2018-03-06. Review status: criteria provided, single submitter. Criteria: ICSL Variant Classification Criteria 13 December 2019. Collection method: clinical testing. Allele origin: germline.
Comment: This variant was observed in the ICSL laboratory as part of a predisposition screen in an ostensibly healthy population. It had not been previously curated by ICSL or reported in the Human Gene Mutation Database (HGMD: prior to June 1st, 2018), and was therefore a candidate for classification through an automated scoring system. Utilizing variant allele frequency, disease prevalence and penetrance estimates, and inheritance mode, an automated score was calculated to assess if this variant is too frequent to cause the disease. Based on the score and internal cut-off values, a variant classified as benign is not then subjected to further curation. The score for this variant resulted in a classification of benign for this disease.

GeneDx
Classification: Benign. Last evaluated: 2015-03-03. Review status: criteria provided, single submitter. Criteria: GeneDx Variant Classification Process June 2021. Collection method: clinical testing. Allele origin: germline. Affected: yes.
Comment: This variant is associated with the following publications: (PMID: 17000706)

Breakthrough Genomics
Classification: Benign. Review status: criteria provided, single submitter. Criteria: ACMG Guidelines, 2015. Collection method: not provided. Allele origin: germline. Inheritance: Autosomal recessive inheritance. Affected: yes.

PreventionGenetics, part of Exact Sciences
Classification: Benign. Review status: criteria provided, single submitter. Criteria: ACMG Guidelines, 2015. Collection method: clinical testing. Allele origin: germline.

Diagnostic Laboratory, Department of Genetics, University Medical Center Groningen
Classification: Benign. Review status: no assertion criteria provided. Collection method: clinical testing. Allele origin: germline. Affected: yes. Study: VKGL Data-share Consensus. Not counted in ClinVar's aggregate classification.

Genetic Services Laboratory, University of Chicago
Classification: Likely benign for AllHighlyPenetrant. Review status: no assertion criteria provided. Collection method: clinical testing. Allele origin: germline. Inheritance: Autosomal recessive inheritance. Not counted in ClinVar's aggregate classification.
Comment: Likely benign based on allele frequency in 1000 Genomes Project or ESP global frequency and its presence in a patient with a rare or unrelated disease phenotype. NOT Sanger confirmed.

Joint Genome Diagnostic Labs from Nijmegen and Maastricht, Radboudumc and MUMC+
Classification: Benign. Review status: no assertion criteria provided. Collection method: clinical testing. Allele origin: germline. Affected: yes. Study: VKGL Data-share Consensus. Not counted in ClinVar's aggregate classification.